The following is an entry in ClinVar:

NM_001134363.3(RBM20):c.3597G>C (p.Glu1199Asp)

Gene: RBM20 (RNA binding motif protein 20; plus strand). Cytogenetic location: 10q25.2.
Variant type: single nucleotide variant.
Coding change: c.3597G>C on transcript NM_001134363.3 (MANE Select); coding-DNA position 3597, G replaced by C.
Protein change: p.Glu1199Asp; replaces glutamic acid 1199 with aspartic acid.
Molecular consequence: missense variant.
Genome position (GRCh38, 1-based): chr10:110,835,891, G>C. VCF-style: chr10-110835891-G-C. GRCh37 (hg19) VCF-style: chr10-112595649-G-C.
Other names: short protein forms E1199D.
Identifiers: ClinVar variation 1022426 (VCV001022426.8), dbSNP rs1177544843, ClinGen allele CA378387965.

ClinVar aggregate classification (germline): Uncertain significance (1 of 4 stars; one submission).

Conditions:
Dilated cardiomyopathy 1DD (CMD1DD). Identifiers: Orphanet 154, MedGen C2750995, MONDO:0013168, OMIM 613172.

gnomAD v4.1: 1 of 1,550,120 alleles (0.000065%); highest among the groups gnomAD compares: East Asian, 0.0024%; no homozygotes.

Submission:

Labcorp Genetics (formerly Invitae), Labcorp
Classification: Uncertain significance for Dilated cardiomyopathy 1DD. Last evaluated: 2020-10-10. Review status: criteria provided, single submitter. Criteria: Invitae Variant Classification Sherloc (09022015). Collection method: clinical testing. Allele origin: germline.
Comment: In summary, the available evidence is currently insufficient to determine the role of this variant in disease. Therefore, it has been classified as a Variant of Uncertain Significance. Advanced modeling of protein sequence and biophysical properties (such as structural, functional, and spatial information, amino acid conservation, physicochemical variation, residue mobility, and thermodynamic stability) performed at Invitae indicates that this missense variant is not expected to disrupt RBM20 protein function. This variant has not been reported in the literature in individuals with RBM20-related conditions. This variant is not present in population databases (ExAC no frequency). This sequence change replaces glutamic acid with aspartic acid at codon 1199 of the RBM20 protein (p.Glu1199Asp). The glutamic acid residue is weakly conserved and there is a small physicochemical difference between glutamic acid and aspartic acid.